The following is an entry in ClinVar:

ClinVar aggregate classification (germline): other (0 of 4 stars; one submission).

Conditions:
Familial colorectal cancer. Identifiers: MedGen CN280943, MONDO:0023113. Disease mechanism: loss of function.

Allele frequency attached by ClinVar (database versions not stated): gnomAD 0.00009 and 0.00010; TOPMed 0.00012.
gnomAD v4.1: 13 of 139,464 alleles (0.0093%); highest among the groups gnomAD compares: Non-Finnish European, 0.018%; no homozygotes.

Submission:

Systems Biology Platform Zhejiang California International NanoSystems Institute
Classification: other for Familial colorectal cancer. Review status: no assertion criteria provided. Collection method: not provided. Allele origin: unknown.
ClinVar note: Converted during submission from cancer to other.

NM_001127511.3(APC):c.165+20822T>G

Gene: APC (APC regulator of Wnt signaling pathway; plus strand). Cytogenetic location: 5q22.2.
Variant type: single nucleotide variant.
Coding change: c.165+20822T>G on transcript NM_001127511.3; 20822 bases into the intron after coding-DNA position 165, T replaced by G.
Molecular consequence: intron variant.
Genome position (GRCh38, 1-based): chr5:112,728,704, T>G. VCF-style: chr5-112728704-T-G. GRCh37 (hg19) VCF-style: chr5-112064401-T-G.
Other names: c.-1054+20822T>G (NM_001407470.1, NM_001407472.1); c.-19+21055T>G (NM_001407458.1, NM_001407448.1, NM_001407450.1 and 1 more transcripts); c.-43+21055T>G (NM_001407453.1); c.-19+20822T>G (NM_001407447.1, NM_001354895.2, NM_001407456.1 and 3 more transcripts); c.165+20822T>G (NM_001407446.1, NM_001354897.2, NM_001354902.2).
Identifiers: ClinVar variation 82710 (VCV000082710.4), dbSNP rs78849835, ClinGen allele CA023517.
Genomic context (GRCh38, chr5:112,728,704, plus strand): 5'-TTTTTTTGTTTTGTCAACATCATAGAATTTATAAACTTTTTTATAAAGAGTATGACTTAG[T>G]TTTTTTTTTCCTGCAATCATATTTTCCAGTTGAAAAAGCTTTTGGCCATTACATTCAGCT-3'